The following is an entry in ClinVar:

ClinVar aggregate classification (germline): Uncertain significance. Review status: criteria provided, multiple submitters, no conflicts (2 of 4 stars). 2 submissions from 2 submitters: Uncertain significance (2). Last evaluated 2023-05-22.

Conditions:
Epilepsy, childhood absence, susceptibility to, 5. Identifiers: Orphanet 64280, MedGen C2677087, MONDO:0012843, OMIM 612269.
Epilepsy, childhood absence, susceptibility to, 1. Also called: Epilepsy, childhood absence 1. Identifiers: Orphanet 64280, MedGen C1838604, MONDO:0020759, OMIM 600131.

Submissions (2):

GeneDx
Classification: Uncertain significance. Last evaluated: 2023-05-22. Review status: criteria provided, single submitter. Criteria: GeneDx Variant Classification Process June 2021. Collection method: clinical testing. Allele origin: germline. Affected: yes.
Comment: Not observed at significant frequency in large population cohorts (gnomAD); In silico analysis supports that this missense variant does not alter protein structure/function; Has not been previously published as pathogenic or benign to our knowledge

Labcorp Genetics (formerly Invitae), Labcorp
Classification: Uncertain significance for Epilepsy, childhood absence, susceptibility to, 5; Epilepsy, childhood absence, susceptibility to, 1. Last evaluated: 2022-07-23. Review status: criteria provided, single submitter. Criteria: Invitae Variant Classification Sherloc (09022015). Collection method: clinical testing. Allele origin: germline.
Comment: This variant is not present in population databases (gnomAD no frequency). This sequence change replaces phenylalanine, which is neutral and non-polar, with tyrosine, which is neutral and polar, at codon 10 of the GABRB3 protein (p.Phe10Tyr). This variant has not been reported in the literature in individuals affected with GABRB3-related conditions. In summary, the available evidence is currently insufficient to determine the role of this variant in disease. Therefore, it has been classified as a Variant of Uncertain Significance. Advanced modeling of protein sequence and biophysical properties (such as structural, functional, and spatial information, amino acid conservation, physicochemical variation, residue mobility, and thermodynamic stability) performed at Invitae indicates that this missense variant is not expected to disrupt GABRB3 protein function.

NM_000814.6(GABRB3):c.29T>A (p.Phe10Tyr)

Gene: GABRB3 (gamma-aminobutyric acid type A receptor subunit beta3; minus strand). Cytogenetic location: 15q12.
Variant type: single nucleotide variant.
Coding change: c.29T>A on transcript NM_000814.6 (MANE Select); coding-DNA position 29, T replaced by A.
Protein change: p.Phe10Tyr; replaces phenylalanine 10 with tyrosine.
Molecular consequence: missense variant. On other transcripts: 5 prime UTR variant (1), intron variant (1).
Genome position (GRCh38, 1-based): chr15:26,772,934, A>T on the plus strand (T>A on the coding strand, the complement: GABRB3 is on the minus strand). VCF-style: chr15-26772934-A-T. GRCh37 (hg19) VCF-style: chr15-27018081-A-T.
Other names: c.29T>A (NM_000814.5); c.-323T>A (NM_001278631.2); c.81-162T>A (NM_021912.5); short protein forms F10Y.
Identifiers: ClinVar variation 1713550 (VCV001713550.6), dbSNP rs2140200011, ClinGen allele CA391465658.
Genomic context (GRCh38, chr15:26,772,934, plus strand): 5'-CGACCCTACCTCTGGGCGCAGCACACCACAGCCACCAGCACCGGGGCCGAGAAGATGCCG[A>T]AAAGCCTTCCTCCCGCAAGGCCCCACATCCCTCCGCCGCGCCCCGGCACGGGGGAGGGGG-3'
Protein context (NP_000805.1, residues 1-20): MWGLAGGRL[Phe10Tyr]GIFSAPVLVA